The following is an entry in ClinVar:

NM_000180.4(GUCY2D):c.-9-128C>T

Gene: GUCY2D (guanylate cyclase 2D, retinal; plus strand). Cytogenetic location: 17p13.1.
Variant type: single nucleotide variant.
Coding change: c.-9-128C>T on transcript NM_000180.4 (MANE Select); 128 bases into the intron before 9 bases upstream of the start codon, C replaced by T.
Molecular consequence: intron variant.
Genome position (GRCh38, 1-based): chr17:8,002,911, C>T. VCF-style: chr17-8002911-C-T. GRCh37 (hg19) VCF-style: chr17-7906229-C-T.
Identifiers: ClinVar variation 3033577 (VCV003033577.2), dbSNP rs908261667, ClinGen allele CA287522729.

ClinVar aggregate classification (germline): Likely benign (0 of 4 stars; one submission).

Conditions:
GUCY2D-related disorder. Also called: GUCY2D-related condition.

Allele frequency attached by ClinVar (database versions not stated): TOPMed below 0.00001; gnomAD exomes 0.00001.
gnomAD v4.1: 4 of 696,212 alleles (0.00057%); highest among the groups gnomAD compares: Non-Finnish European, 0.00091%; no homozygotes.

Submission:

PreventionGenetics, part of Exact Sciences
Classification: Likely benign for GUCY2D-related condition. Last evaluated: 2019-07-04. Review status: no assertion criteria provided. Collection method: clinical testing. Allele origin: germline.
Comment: This variant is classified as likely benign based on ACMG/AMP sequence variant interpretation guidelines (Richards et al. 2015 PMID: 25741868, with internal and published modifications).